The following is an entry in ClinVar:

NM_025114.4(CEP290):c.3023A>G (p.Glu1008Gly)

Gene: CEP290 (centrosomal protein 290; minus strand). Cytogenetic location: 12q21.32.
Variant type: single nucleotide variant.
Coding change: c.3023A>G on transcript NM_025114.4 (MANE Select); coding-DNA position 3023, A replaced by G.
Protein change: p.Glu1008Gly; replaces glutamic acid 1008 with glycine.
Molecular consequence: missense variant.
Genome position (GRCh38, 1-based): chr12:88,096,968, T>C on the plus strand (A>G on the coding strand, the complement: CEP290 is on the minus strand). VCF-style: chr12-88096968-T-C. GRCh37 (hg19) VCF-style: chr12-88490745-T-C.
Other names: short protein forms E1008G.
Identifiers: ClinVar variation 4977574 (VCV004977574.1).

ClinVar aggregate classification (germline): Uncertain significance (1 of 4 stars; one submission).

Conditions:
CEP290-related disorder. Also called: CEP290-related disorders; CEP290-related condition. Identifiers: MedGen CN239314.

Submission:

PreventionGenetics, part of Exact Sciences
Classification: Uncertain significance for CEP290-related condition. Last evaluated: 2026-08-20. Review status: criteria provided, single submitter. Criteria: ACMG Guidelines, 2015. Collection method: clinical testing. Allele origin: germline.
Comment: The CEP290 c.3023A>G variant is predicted to result in the amino acid substitution p.Glu1008Gly. To our knowledge, this variant has not been reported in the literature or in a large population database (gnomAD), indicating this variant is rare. At this time, the clinical significance of this variant is uncertain due to the absence of conclusive functional and genetic evidence.